The following is an entry in ClinVar:

NM_007294.4(BRCA1):c.2579C>T (p.Thr860Ile)

Gene: BRCA1 (BRCA1 DNA repair associated; minus strand). Cytogenetic location: 17q21.31.
Variant type: single nucleotide variant.
Coding change: c.2579C>T on transcript NM_007294.4 (MANE Select); coding-DNA position 2579, C replaced by T.
Protein change: p.Thr860Ile; replaces threonine 860 with isoleucine.
Molecular consequence: missense variant. On other transcripts: intron variant (137).
Genome position (GRCh38, 1-based): chr17:43,092,952, G>A on the plus strand (C>T on the coding strand, the complement: BRCA1 is on the minus strand). VCF-style: chr17-43092952-G-A. GRCh37 (hg19) VCF-style: chr17-41244969-G-A.
Other names: c.2369C>T, p.Thr790Ile (NM_001407882.1, NM_001407885.1, NM_001407886.1 and 13 more transcripts); c.2366C>T, p.Thr789Ile (NM_001407894.1, NM_001407895.1, NM_001407896.1 and 9 more transcripts); c.784+1792C>T (NM_001408407.1, NM_001408473.1, NM_001408402.1 and 13 more transcripts); c.664+1792C>T (NM_001408443.1, NM_001408439.1, NM_001408425.1 and 12 more transcripts); c.668-1920C>T (NM_001408431.1, NM_001408424.1, NM_001408421.1); c.671-1920C>T (NM_001408419.1, NM_001408422.1, NM_001408418.1 and 2 more transcripts); c.787+1792C>T (NM_001408403.1, NM_001407983.1, NM_001407975.1 and 17 more transcripts); c.790+1789C>T (NM_001408406.1); and 41 more; short protein forms T860I, T813I, T732I, T749I, T792I, T793I, T818I, T748I.
Identifiers: ClinVar variation 531237 (VCV000531237.11), dbSNP rs1555589337, ClinGen allele CA10596831.
Genomic context (GRCh38, chr17:43,092,952, plus strand): 5'-TCTTCTGCATTTCCTGGATTTGAAAACGGAGCAAATGACTGGCGCTTTGAAACCTTGAAT[G>A]TATTCTGCAAATACTGAGCATCAAGTTCACTTTCTTCCATTTCTATGCTTGTTTCCCGAC-3'
Protein context (NP_009225.1, residues 850-870): SELDAQYLQN[Thr860Ile]FKVSKRQSFA

ClinVar aggregate classification (germline): Conflicting classifications of pathogenicity. Review status: criteria provided, conflicting classifications (1 of 4 stars). 3 submissions from 3 submitters: Uncertain significance (2); Likely benign (1). Last evaluated 2024-09-16.

Conditions:
Hereditary cancer-predisposing syndrome. Also called: Hereditary neoplastic syndrome; Neoplastic Syndromes, Hereditary; Tumor predisposition; Hereditary Cancer Syndrome. Identifiers: Orphanet 140162, MedGen C0027672, MeSH D009386, MONDO:0015356.
Hereditary breast ovarian cancer syndrome. Also called: Hereditary breast and ovarian cancer syndrome (HBOC); BRCA1- and BRCA2-Associated Hereditary Breast and Ovarian Cancer; Hereditary breast and ovarian cancer syndrome; Breast and ovarian cancer; Hereditary breast and ovarian cancer; Hereditary breast and/or ovarian cancer syndrome. Identifiers: Orphanet 145, MedGen C0677776, MeSH D061325, MONDO:0003582. Disease mechanism: loss of function.
BRCA1-related cancer predisposition. Identifiers: MedGen CN377757, MONDO:0700268.

Submissions (3):

All of Us Research Program, National Institutes of Health
Classification: Uncertain significance for BRCA1-related cancer predisposition. Last evaluated: 2024-09-16. Review status: criteria provided, single submitter. Criteria: ACMG Guidelines, 2015. Collection method: clinical testing. Allele origin: germline. Inheritance: Autosomal dominant inheritance. Observed: 1 variant allele, 1 heterozygote.
Comment: This missense variant replaces threonine with isoleucine at codon 860 of the BRCA1 protein. Computational prediction is inconclusive regarding the impact of this variant on protein structure and function. To our knowledge, functional studies have not been reported for this variant. This variant has not been reported in individuals affected with BRCA1-related disorders in the literature. This variant has not been identified in the general population by the Genome Aggregation Database (gnomAD). The available evidence is insufficient to determine the role of this variant in disease conclusively. Therefore, this variant is classified as a Variant of Uncertain Significance.

This study involves interpretation of variants in research participants for the purpose of population health screening. Participant phenotype was not available at the time of variant classification. Additional details can be found in publication PMID: 35346344, PMCID: PMC8962531

University of Washington Department of Laboratory Medicine, University of Washington
Classification: Likely benign for Hereditary cancer-predisposing syndrome. Last evaluated: 2023-03-23. Review status: criteria provided, single submitter. Criteria: Dines et al. (Genet Med. 2020). Collection method: curation. Allele origin: germline.
Comment: Missense variant in a coldspot region where missense variants are very unlikely to be pathogenic (PMID:31911673).

BRCA1 coldspot (exon 11 using historical exon numbering). Reclassification based on statistical prior probability

Labcorp Genetics (formerly Invitae), Labcorp
Classification: Uncertain significance for Hereditary breast ovarian cancer syndrome. Last evaluated: 2017-10-31. Review status: criteria provided, single submitter. Criteria: Invitae Variant Classification Sherloc (09022015). Collection method: clinical testing. Allele origin: germline.
Comment: In summary, the available evidence is currently insufficient to determine the role of this variant in disease. Therefore, it has been classified as a Variant of Uncertain Significance. Algorithms developed to predict the effect of missense changes on protein structure and function do not agree on the potential impact of this missense change (SIFT: "Tolerated"; PolyPhen-2: "Possibly Damaging"; Align-GVGD: "Class C0"). This variant has not been reported in the literature in individuals with BRCA1-related disease. This variant is not present in population databases (ExAC no frequency). This sequence change replaces threonine with isoleucine at codon 860 of the BRCA1 protein (p.Thr860Ile). The threonine residue is moderately conserved and there is a moderate physicochemical difference between threonine and isoleucine.